The following is an entry in ClinVar:

NM_170754.4(TNS2):c.2700T>C (p.Ser900=)

Gene: TNS2 (tensin 2; plus strand). Cytogenetic location: 12q13.13.
Variant type: single nucleotide variant.
Coding change: c.2700T>C on transcript NM_170754.4 (MANE Select); coding-DNA position 2700, T replaced by C.
Protein change: p.Ser900=; no amino-acid change (serine 900 retained).
Molecular consequence: synonymous variant.
Genome position (GRCh38, 1-based): chr12:53,060,487, T>C. VCF-style: chr12-53060487-T-C. GRCh37 (hg19) VCF-style: chr12-53454271-T-C.
Other names: c.2700T>C, p.Ser900= (NM_001416202.1); c.2658T>C, p.Ser886= (NM_001416203.1); c.2727T>C, p.Ser909= (NM_001416204.1); c.2631T>C, p.Ser877= (NM_015319.3); c.2328T>C, p.Ser776= (NM_198316.2); c.2730T>C (NM_015319.2).
Identifiers: ClinVar variation 2054906 (VCV002054906.29), dbSNP rs145448651, ClinGen allele CA6592661.

ClinVar aggregate classification (germline): Benign/Likely benign. Review status: criteria provided, multiple submitters, no conflicts (2 of 4 stars). 3 submissions from 3 submitters: Benign (1); Likely benign (1). 1 of the submissions does not count toward it. Last evaluated 2025-10-23.

Conditions:
TNS2-related disorder. Also called: TNS2-related condition.

Allele frequency attached by ClinVar (database versions not stated): gnomAD 0.00134; TOPMed 0.00134; 1000 Genomes Project 0.00200; ESP Exome Variant Server 0.00231; 1000 Genomes Project 30x 0.00234.

Submissions (3):

Labcorp Genetics (formerly Invitae), Labcorp
Classification: Benign. Last evaluated: 2025-10-23. Review status: criteria provided, single submitter. Criteria: Invitae Variant Classification Sherloc (09022015). Collection method: clinical testing. Allele origin: germline.

CeGaT Center for Human Genetics Tuebingen
Classification: Likely benign. Last evaluated: 2022-05-01. Review status: criteria provided, single submitter. Criteria: CeGaT Center For Human Genetics Tuebingen Variant Classification Criteria Version 2. Collection method: clinical testing. Allele origin: germline. Affected: yes. Observed: 1 variant allele.
Comment: TNS2: BP4, BP7

PreventionGenetics, part of Exact Sciences
Classification: Likely benign for TNS2-related condition. Last evaluated: 2019-03-18. Review status: no assertion criteria provided. Collection method: clinical testing. Allele origin: germline. Not counted in ClinVar's aggregate classification.
Comment: This variant is classified as likely benign based on ACMG/AMP sequence variant interpretation guidelines (Richards et al. 2015 PMID: 25741868, with internal and published modifications).